The following is an entry in ClinVar:

NM_003872.3(NRP2):c.2323G>A (p.Val775Met)

Gene: NRP2 (neuropilin 2; plus strand). Cytogenetic location: 2q33.3.
Variant type: single nucleotide variant.
Coding change: c.2323G>A on transcript NM_003872.3 (MANE Select); coding-DNA position 2323, G replaced by A.
Protein change: p.Val775Met; replaces valine 775 with methionine.
Molecular consequence: missense variant.
Genome position (GRCh38, 1-based): chr2:205,765,489, G>A. VCF-style: chr2-205765489-G-A. GRCh37 (hg19) VCF-style: chr2-206630213-G-A.
Other names: c.2323G>A, p.Val775Met (NM_018534.4, NM_201266.2, NM_201267.2 and 1 more transcripts); short protein forms V775M.
Identifiers: ClinVar variation 3031924 (VCV003031924.3), dbSNP rs149128054, ClinGen allele CA2069365.
Genomic context (GRCh38, chr2:205,765,489, plus strand): 5'-CTAGGAGACTCAGTTAACCATGGCTCTTATTCTTCCGGCTTCTAGATTGTGTTCGAGGGA[G>A]TGATAGGGAAAGGACGTTCCGGAGAGATTGCCATTGATGACATTCGGATAAGCACTGATG-3'
Protein context (NP_003863.2, residues 765-785): DMEYQIVFEG[Val775Met]IGKGRSGEIA

ClinVar aggregate classification (germline): Uncertain significance (1 of 4 stars; one submission).

Conditions:
NRP2-related disorder. Also called: NRP2-related condition.

Allele frequency attached by ClinVar (database versions not stated): TOPMed 0.00009; gnomAD 0.00010; ESP Exome Variant Server 0.00038.
gnomAD v4.1: 194 of 1,614,048 alleles (0.012%); highest among the groups gnomAD compares: Non-Finnish European, 0.015%; no homozygotes.

Submission:

PreventionGenetics, part of Exact Sciences
Classification: Uncertain significance for NRP2-related condition. Last evaluated: 2026-08-20. Review status: criteria provided, single submitter. Criteria: ACMG Guidelines, 2015. Collection method: clinical testing. Allele origin: germline.
Comment: The NRP2 c.2323G>A variant is predicted to result in the amino acid substitution p.Val775Met. To our knowledge, this variant has not been reported in the literature. This variant is reported in 0.011% of alleles in individuals of European (Non-Finnish) descent in gnomAD. At this time, the clinical significance of this variant is uncertain due to the absence of conclusive functional and genetic evidence.